The following is an entry in ClinVar:

ClinVar aggregate classification (germline): Uncertain significance (1 of 4 stars; one submission).

Allele frequency attached by ClinVar (database versions not stated): ExAC 0.00001; gnomAD 0.00002; gnomAD exomes 0.00002; TOPMed 0.00003; ESP Exome Variant Server 0.00008.
gnomAD v4.1: 39 of 1,596,046 alleles (0.0024%); highest among the groups gnomAD compares: Non-Finnish European, 0.0025%; no homozygotes.

Submission:

Labcorp Genetics (formerly Invitae), Labcorp
Classification: Uncertain significance. Last evaluated: 2022-09-14. Review status: criteria provided, single submitter. Criteria: Invitae Variant Classification Sherloc (09022015). Collection method: clinical testing. Allele origin: germline.
Comment: This sequence change disrupts the translational stop signal of the NR2E3 mRNA. It is expected to extend the length of the NR2E3 protein by 5 additional amino acid residues. This variant is present in population databases (rs374121651, gnomAD 0.003%). This variant has not been reported in the literature in individuals affected with NR2E3-related conditions. Experimental studies and prediction algorithms are not available or were not evaluated, and the functional significance of this variant is currently unknown. In summary, the available evidence is currently insufficient to determine the role of this variant in disease. Therefore, it has been classified as a Variant of Uncertain Significance.

NM_014249.4(NR2E3):c.1232A>G (p.Ter411Trp)

Gene: NR2E3 (nuclear receptor subfamily 2 group E member 3; plus strand). Cytogenetic location: 15q23.
Variant type: single nucleotide variant.
Coding change: c.1232A>G on transcript NM_014249.4 (MANE Select); coding-DNA position 1232, A replaced by G.
Protein change: p.Ter411Trp.
Molecular consequence: stop lost.
Genome position (GRCh38, 1-based): chr15:71,817,683, A>G. VCF-style: chr15-71817683-A-G. GRCh37 (hg19) VCF-style: chr15-72110024-A-G.
Identifiers: ClinVar variation 2166122 (VCV002166122.1), dbSNP rs374121651, ClinGen allele CA7640549.